The following is an entry in ClinVar:

ClinVar aggregate classification (germline): Uncertain significance (1 of 4 stars; one submission).

Conditions:
Inborn genetic diseases. Identifiers: MedGen C0950123, MeSH D030342.

Submission:

Ambry Genetics
Classification: Uncertain significance for Inborn genetic diseases. Last evaluated: 2025-01-28. Review status: criteria provided, single submitter. Criteria: Ambry Variant Classification Scheme 2023. Collection method: clinical testing. Allele origin: germline.
Comment: The p.N1212I variant (also known as c.3635A>T), located in coding exon 24 of the ANKRD26 gene, results from an A to T substitution at nucleotide position 3635. The asparagine at codon 1212 is replaced by isoleucine, an amino acid with dissimilar properties. This amino acid position is conserved. In addition, this alteration is predicted to be tolerated by in silico analysis. Based on the available evidence, the clinical significance of this variant remains unclear.

NM_014915.3(ANKRD26):c.3635A>T (p.Asn1212Ile)

Gene: ANKRD26 (ankyrin repeat domain containing 26; minus strand). Cytogenetic location: 10p12.1.
Variant type: single nucleotide variant.
Coding change: c.3635A>T on transcript NM_014915.3 (MANE Select); coding-DNA position 3635, A replaced by T.
Protein change: p.Asn1212Ile; replaces asparagine 1212 with isoleucine.
Molecular consequence: missense variant.
Genome position (GRCh38, 1-based): chr10:27,034,815, T>A on the plus strand (A>T on the coding strand, the complement: ANKRD26 is on the minus strand). VCF-style: chr10-27034815-T-A. GRCh37 (hg19) VCF-style: chr10-27323744-T-A.
Other names: c.3632A>T, p.Asn1211Ile (NM_001256053.2); short protein forms N1211I, N1212I.
Identifiers: ClinVar variation 3870849 (VCV003870849.1).
Genomic context (GRCh38, chr10:27,034,815, plus strand): 5'-TTCAGGAGGTTTGAAAAATATTTATCTTTCTTGATACTTACTTCTCTTTCTGCCTTTTCA[T>A]TTTCATATTGATACTGTCTTTCTTTTAAGTGATTACATTCACTGATTAACTCCTTATTTC-3'
Protein context (NP_055730.2, residues 1202-1222): HLKERQYQYE[Asn1212Ile]EKAEREVVVR